The following is an entry in ClinVar:

ClinVar aggregate classification (germline): Uncertain significance. Review status: criteria provided, multiple submitters, no conflicts (2 of 4 stars). 3 submissions from 3 submitters: Uncertain significance (3). Last evaluated 2023-06-14.

Allele frequency attached by ClinVar (database versions not stated): gnomAD exomes below 0.00001.
gnomAD v4.1: 2 of 1,614,250 alleles (0.00012%); highest among the groups gnomAD compares: Non-Finnish European, 0.00017%; no homozygotes.

Submissions (3):

Blueprint Genetics
Classification: Uncertain significance. Last evaluated: 2023-06-14. Review status: criteria provided, single submitter. Criteria: ACMG Guidelines, 2015. Collection method: clinical testing. Allele origin: germline.

Ambry Genetics
Classification: Uncertain significance. Last evaluated: 2023-01-23. Review status: criteria provided, single submitter. Criteria: Ambry Variant Classification Scheme 2023. Collection method: clinical testing. Allele origin: germline.

Labcorp Genetics (formerly Invitae), Labcorp
Classification: Uncertain significance. Last evaluated: 2021-07-22. Review status: criteria provided, single submitter. Criteria: Invitae Variant Classification Sherloc (09022015). Collection method: clinical testing. Allele origin: germline.
Comment: In summary, the available evidence is currently insufficient to determine the role of this variant in disease. Therefore, it has been classified as a Variant of Uncertain Significance. Algorithms developed to predict the effect of missense changes on protein structure and function (SIFT, PolyPhen-2, Align-GVGD) all suggest that this variant is likely to be tolerated. This variant has not been reported in the literature in individuals affected with SLC7A14-related conditions. This variant is not present in population databases (ExAC no frequency). This sequence change replaces tyrosine with histidine at codon 730 of the SLC7A14 protein (p.Tyr730His). The tyrosine residue is moderately conserved and there is a moderate physicochemical difference between tyrosine and histidine.

NM_020949.3(SLC7A14):c.2188T>C (p.Tyr730His)

Gene: SLC7A14 (solute carrier family 7 member 14; minus strand). Cytogenetic location: 3q26.2.
Variant type: single nucleotide variant.
Coding change: c.2188T>C on transcript NM_020949.3 (MANE Select); coding-DNA position 2188, T replaced by C.
Protein change: p.Tyr730His; replaces tyrosine 730 with histidine.
Molecular consequence: missense variant.
Genome position (GRCh38, 1-based): chr3:170,467,183, A>G on the plus strand (T>C on the coding strand, the complement: SLC7A14 is on the minus strand). VCF-style: chr3-170467183-A-G. GRCh37 (hg19) VCF-style: chr3-170184971-A-G.
Other names: c.2188T>C (NM_020949.2); short protein forms Y730H.
Identifiers: ClinVar variation 1392432 (VCV001392432.10), dbSNP rs763167710, ClinGen allele CA355483683.
Genomic context (GRCh38, chr3:170,467,183, plus strand): 5'-TGCTCTTCGCTTTGCTACTTGTCCGGCCGTTTGCCTTCGCATCTGACATCTGTTGGTAAT[A>G]GAAGCCTTTGTCTTCAGTGGGCCCGCCCCAGTCCTCCTGGCTCTCGCCCTCTGTGGCGTA-3'
Protein context (NP_066000.2, residues 720-740): WGGPTEDKGF[Tyr730His]YQQMSDAKAN